The following is an entry in ClinVar:

NM_000355.4(TCN2):c.1139dup (p.Tyr380Ter)

Gene: TCN2 (transcobalamin 2; plus strand). Cytogenetic location: 22q12.2.
Variant type: Duplication.
Coding change: c.1139dup on transcript NM_000355.4 (MANE Select); coding-DNA position 1139, one base duplicated (A; older notation c.1139dupA).
Protein change: p.Tyr380Ter; replaces tyrosine 380 with a stop codon.
Molecular consequence: nonsense.
Genome position (GRCh38, 1-based): chr22:30,623,000, A duplicated. VCF-style (leftmost placement, unchanged base first): chr22-30622999-T-TA. GRCh37 (hg19) VCF-style: chr22-31018986-T-TA.
Other names: c.1058dup, p.Tyr353Ter (NM_001184726.2); short protein forms Y380*, Y353*.
Identifiers: ClinVar variation 834649 (VCV000834649.9), dbSNP rs2087720794, ClinGen allele CA916081243.

ClinVar aggregate classification (germline): Pathogenic (1 of 4 stars; one submission).

Conditions:
Transcobalamin II deficiency (TCN2D). Also called: TC II DEFICIENCY; TCN2 DEFICIENCY; Transcolabamin II deficiency. Identifiers: Orphanet 859, MedGen C0342701, MONDO:0010149, OMIM 275350.

Allele frequency attached by ClinVar (database versions not stated): gnomAD exomes below 0.00001.

Submission:

Labcorp Genetics (formerly Invitae), Labcorp
Classification: Pathogenic for Transcobalamin II deficiency. Last evaluated: 2025-05-22. Review status: criteria provided, single submitter. Criteria: Invitae Variant Classification Sherloc (09022015). Collection method: clinical testing. Allele origin: germline.
Comment: This sequence change creates a premature translational stop signal (p.Tyr380*) in the TCN2 gene. It is expected to result in an absent or disrupted protein product. Loss-of-function variants in TCN2 are known to be pathogenic (PMID: 7980584, 20352340). This variant is not present in population databases (gnomAD no frequency). This premature translational stop signal has been observed in individual(s) with transcobalamin II-deficiency (PMID: 20352340). ClinVar contains an entry for this variant (Variation ID: 834649). For these reasons, this variant has been classified as Pathogenic.

Literature cited by the submitters: PubMed 7980584; PubMed 20352340.